The following is an entry in ClinVar:

ClinVar aggregate classification (germline): Uncertain significance. Review status: criteria provided, multiple submitters, no conflicts (2 of 4 stars). 2 submissions from 2 submitters: Uncertain significance (2). Last evaluated 2025-12-06.

Conditions:
H syndrome. Also called: HISTIOCYTOSIS AND LYMPHADENOPATHY WITH OR WITHOUT CUTANEOUS, CARDIAC, AND/OR ENDOCRINE FEATURES, JOINT CONTRACTURES, AND/OR DEAFNESS; HYPERPIGMENTATION, CUTANEOUS, WITH HYPERTRICHOSIS, HEPATOSPLENOMEGALY, HEART ANOMALIES, AND HYPOGONADISM WITH OR WITHOUT HEARING LOSS; PIGMENTED HYPERTRICHOSIS WITH INSULIN-DEPENDENT DIABETES MELLITUS; ROSAI-DORFMAN DISEASE, FAMILIAL; SINUS HISTIOCYTOSIS AND MASSIVE LYMPHADENOPATHY; Hyperpigmentation, Cutaneous, with Hypertrichosis, Hepatosplenomegaly, Heart Anomalies, Hearing Loss, and Hypogonadism. Identifiers: Orphanet 168569, MedGen C1864445, MONDO:0011273, OMIM 602782.

Allele frequency attached by ClinVar (database versions not stated): gnomAD 0.00004; TOPMed 0.00005; 1000 Genomes Project 0.00020; 1000 Genomes Project 30x 0.00016; gnomAD exomes 0.00003; ExAC 0.00004.
gnomAD v4.1: 54 of 1,614,118 alleles (0.0033%); highest among the groups gnomAD compares: South Asian, 0.012%; no homozygotes.

Submissions (2):

Mayo Clinic Laboratories, Mayo Clinic
Classification: Uncertain significance. Last evaluated: 2025-12-06. Review status: criteria provided, single submitter. Criteria: ACMG Guidelines, 2015. Collection method: clinical testing. Allele origin: germline. Observed: 1 variant allele.
Comment: BP4

Labcorp Genetics (formerly Invitae), Labcorp
Classification: Uncertain significance for H syndrome. Last evaluated: 2022-09-22. Review status: criteria provided, single submitter. Criteria: Invitae Variant Classification Sherloc (09022015). Collection method: clinical testing. Allele origin: germline.
Comment: This sequence change replaces serine, which is neutral and polar, with leucine, which is neutral and non-polar, at codon 337 of the SLC29A3 protein (p.Ser337Leu). This variant is present in population databases (rs200249218, gnomAD 0.004%). This variant has not been reported in the literature in individuals affected with SLC29A3-related conditions. ClinVar contains an entry for this variant (Variation ID: 652586). Advanced modeling of protein sequence and biophysical properties (such as structural, functional, and spatial information, amino acid conservation, physicochemical variation, residue mobility, and thermodynamic stability) performed at Invitae indicates that this missense variant is not expected to disrupt SLC29A3 protein function. In summary, the available evidence is currently insufficient to determine the role of this variant in disease. Therefore, it has been classified as a Variant of Uncertain Significance.

NM_018344.6(SLC29A3):c.1010C>T (p.Ser337Leu)

Gene: SLC29A3 (solute carrier family 29 member 3; plus strand). Cytogenetic location: 10q22.1.
Variant type: single nucleotide variant.
Coding change: c.1010C>T on transcript NM_018344.6 (MANE Select); coding-DNA position 1010, C replaced by T.
Protein change: p.Ser337Leu; replaces serine 337 with leucine.
Molecular consequence: missense variant. On other transcripts: 3 prime UTR variant (1), non-coding transcript variant (2).
Genome position (GRCh38, 1-based): chr10:71,362,190, C>T. VCF-style: chr10-71362190-C-T. GRCh37 (hg19) VCF-style: chr10-73121947-C-T.
Other names: p.Ser337Leu; c.*239C>T (NM_001174098.2); c.776C>T, p.Ser259Leu (NM_001363518.2); short protein forms S259L, S337L.
Identifiers: ClinVar variation 652586 (VCV000652586.9), dbSNP rs200249218, ClinGen allele CA5543110.
Genomic context (GRCh38, chr10:71,362,190, plus strand): 5'-TCATCACCAGCCTCATCTACCCCGCCATCTGCACCAACATCGAGTCCCTCAACAAGGGTT[C>T]GGGCTCACTGTGGACCACCAAGTTTTTCATCCCCCTCACTACCTTCCTCCTGTACAACTT-3'
Protein context (NP_060814.4, residues 327-347): CTNIESLNKG[Ser337Leu]GSLWTTKFFI